The following is an entry in ClinVar:

ClinVar aggregate classification (germline): Uncertain significance (1 of 4 stars; one submission).

gnomAD v4.1: 1 of 1,612,990 alleles (0.000062%); highest among the groups gnomAD compares: Non-Finnish European, 0.000085%; no homozygotes.

Submission:

Labcorp Genetics (formerly Invitae), Labcorp
Classification: Uncertain significance. Last evaluated: 2025-01-20. Review status: criteria provided, single submitter. Criteria: Invitae Variant Classification Sherloc (09022015). Collection method: clinical testing. Allele origin: germline.
Comment: This sequence change affects codon 409 of the FZD2 mRNA. It is a 'silent' change, meaning that it does not change the encoded amino acid sequence of the FZD2 protein. This variant is not present in population databases (gnomAD no frequency). This variant has not been reported in the literature in individuals affected with FZD2-related conditions. In summary, the available evidence is currently insufficient to determine the role of this variant in disease. Therefore, it has been classified as a Variant of Uncertain Significance.

NM_001466.4(FZD2):c.1225C>T (p.Leu409=)

Gene: FZD2 (frizzled class receptor 2; plus strand). Cytogenetic location: 17q21.31.
Variant type: single nucleotide variant.
Coding change: c.1225C>T on transcript NM_001466.4 (MANE Select); coding-DNA position 1225, C replaced by T.
Protein change: p.Leu409=; no amino-acid change (leucine 409 retained).
Molecular consequence: synonymous variant.
Genome position (GRCh38, 1-based): chr17:44,558,913, C>T. VCF-style: chr17-44558913-C-T. GRCh37 (hg19) VCF-style: chr17-42636281-C-T.
Identifiers: ClinVar variation 3607083 (VCV003607083.2).